The following is an entry in ClinVar:

NM_024426.6(WT1):c.722C>T (p.Ala241Val)

Gene: WT1 (WT1 transcription factor; minus strand). Cytogenetic location: 11p13.
Variant type: single nucleotide variant.
Coding change: c.722C>T on transcript NM_024426.6 (MANE Select); coding-DNA position 722, C replaced by T.
Protein change: p.Ala241Val; replaces alanine 241 with valine.
Molecular consequence: missense variant. On other transcripts: non-coding transcript variant (1).
Genome position (GRCh38, 1-based): chr11:32,428,559, G>A on the plus strand (C>T on the coding strand, the complement: WT1 is on the minus strand). VCF-style: chr11-32428559-G-A. GRCh37 (hg19) VCF-style: chr11-32450105-G-A.
Other names: c.722C>T, p.Ala241Val (NM_000378.6, NM_001407044.1, NM_001407045.1 and 4 more transcripts); c.71C>T, p.Ala24Val (NM_001198551.2, NM_001198552.2); c.-41C>T (NM_001407051.1); c.707C>T, p.Ala236Val (NM_024425.2); short protein forms A241V, A24V, A236V.
Identifiers: ClinVar variation 966883 (VCV000966883.13), dbSNP rs1190263054, ClinGen allele CA379963421.

ClinVar aggregate classification (germline): Uncertain significance. Review status: criteria provided, multiple submitters, no conflicts (2 of 4 stars). 3 submissions from 3 submitters: Uncertain significance (3). Last evaluated 2025-10-25.

Conditions:
Inborn genetic diseases. Identifiers: MedGen C0950123, MeSH D030342.
Drash syndrome (DDS). Also called: WILMS TUMOR AND PSEUDO- OR TRUE HERMAPHRODITISM; NEPHROPATHY, WILMS TUMOR, AND GENITAL ANOMALIES. Identifiers: Orphanet 220, MedGen C0950121, MONDO:0008682, OMIM 194080.
Frasier syndrome. Identifiers: Orphanet 347, MedGen C0950122, MeSH D052159, MONDO:0007635, OMIM 136680.
Wilms tumor 1 (WT1). Also called: Wilms tumor, somatic. Identifiers: Orphanet 654, MedGen CN033288, MONDO:0008679, OMIM 194070.
11p partial monosomy syndrome (WAGR). Also called: WAGR syndrome; CHROMOSOME 11p13 DELETION SYNDROME; WAGR Complex; WAGR Spectrum Disorder. Identifiers: Orphanet 893, MedGen C0206115, MONDO:0008681, OMIM 194072.
Aniridia 1 (AN1). Identifiers: Orphanet 250923, MedGen C0344542, MONDO:0024507, OMIM 106210.
Meacham syndrome. Also called: Meacham Winn Culler syndrome. Identifiers: Orphanet 3097, MedGen C1837026, MONDO:0012164, OMIM 608978.
Mesothelioma, malignant (MESOM). Also called: Malignant mesothelioma (disease). Identifiers: Orphanet 50251, MedGen C0345967, MONDO:0006292, OMIM 156240, HP:0100001.
Nephrotic syndrome, type 4 (NPHS4). Also called: Familial mesangial sclerosis; Nephrotic syndrome, early onset with diffuse mesangial sclerosis. Identifiers: Orphanet 656, MedGen C3151568, MONDO:0009733, OMIM 256370.

Allele frequency attached by ClinVar (database versions not stated): gnomAD exomes below 0.00001; TOPMed 0.00002.
gnomAD v4.1: 1 of 1,614,008 alleles (0.000062%); highest among the groups gnomAD compares: Non-Finnish European, 0.000085%; no homozygotes.

Submissions (3):

Ambry Genetics
Classification: Uncertain significance for Inborn genetic diseases. Last evaluated: 2025-10-25. Review status: criteria provided, single submitter. Criteria: Ambry Variant Classification Scheme 2023. Collection method: clinical testing. Allele origin: germline.
Comment: The p.A236V variant (also known as c.707C>T), located in coding exon 2 of the WT1 gene, results from a C to T substitution at nucleotide position 707. The alanine at codon 236 is replaced by valine, an amino acid with similar properties. This amino acid position is conserved. In addition, the in silico prediction for this alteration is inconclusive. Based on the available evidence, the clinical significance of this variant remains unclear.

Fulgent Genetics
Classification: Uncertain significance for Aniridia 1; Frasier syndrome; Mesothelioma, malignant; Wilms tumor 1; 11p partial monosomy syndrome; Drash syndrome; Nephrotic syndrome, type 4; Meacham syndrome. Last evaluated: 2021-12-21. Review status: criteria provided, single submitter. Criteria: ACMG Guidelines, 2015. Collection method: clinical testing. Allele origin: unknown.

Labcorp Genetics (formerly Invitae), Labcorp
Classification: Uncertain significance for Wilms tumor 1; Drash syndrome; 11p partial monosomy syndrome; Frasier syndrome. Last evaluated: 2019-11-04. Review status: criteria provided, single submitter. Criteria: Invitae Variant Classification Sherloc (09022015). Collection method: clinical testing. Allele origin: germline.
Comment: In summary, the available evidence is currently insufficient to determine the role of this variant in disease. Therefore, it has been classified as a Variant of Uncertain Significance. Algorithms developed to predict the effect of missense changes on protein structure and function are either unavailable or do not agree on the potential impact of this missense change (SIFT: "Deleterious"; PolyPhen-2: "Benign"; Align-GVGD: "Class C0"). This variant has not been reported in the literature in individuals with WT1-related conditions. This variant is not present in population databases (ExAC no frequency). This sequence change replaces alanine with valine at codon 236 of the WT1 protein (p.Ala236Val). The alanine residue is highly conserved and there is a small physicochemical difference between alanine and valine.